The following is an entry in ClinVar:

NM_032383.5(HPS3):c.2552_2556del (p.Ala851fs)

Genes: CP (ceruloplasmin; minus strand), HPS3 (HPS3 biogenesis of lysosomal organelles complex 2 subunit 1; plus strand). Cytogenetic location: 3q24.
Variant type: Deletion.
Coding change: c.2552_2556del on transcript NM_032383.5 (MANE Select); coding-DNA positions 2552 to 2556, 5 bases deleted (CTGAT; older notation c.2552_2556delCTGAT).
Protein change: p.Ala851fs; shifts the reading frame from alanine 851.
Molecular consequence: frameshift variant.
Genome position (GRCh38, 1-based): chr3:149,163,912-149,163,916, CTGAT deleted. VCF-style (leftmost placement, unchanged base first): chr3-149163911-GCTGAT-G. GRCh37 (hg19) VCF-style: chr3-148881698-GCTGAT-G.
Other names: c.2057_2061del, p.Ala686fs (NM_001308258.2); short protein forms A686fs, A851fs.
Identifiers: ClinVar variation 5010570 (VCV005010570.1).

ClinVar aggregate classification (germline): Pathogenic (1 of 4 stars; one submission).

Conditions:
Hermansky-Pudlak syndrome 3 (HPS3). Identifiers: Orphanet 231512, Orphanet 79430, MedGen C3888001, MONDO:0013555, OMIM 614072.

Submission:

Myriad Genetics, Inc.
Classification: Pathogenic for Hermansky-Pudlak syndrome 3. Last evaluated: 2024-05-14. Review status: criteria provided, single submitter. Criteria: Myriad Autosomal Dominant, Autosomal Recessive and X-Linked Classification Criteria (2023). Collection method: clinical testing. Allele origin: unknown.
Comment: NM_032383.3(HPS3):c.2552_2556del5(A851Efs*20) is expected to be pathogenic in the context of Hermansky-Pudlak syndrome, HPS3-related. This variant is predicted to lead to an abnormal or absent protein product due to the creation of a premature termination codon in HPS3, a gene where loss-of-function variants are known to be pathogenic. Please note: this variant was assessed in the context of healthy population screening.